The following is an entry in ClinVar:

ClinVar aggregate classification (germline): Uncertain significance (1 of 4 stars; one submission).

Allele frequency attached by ClinVar (database versions not stated): gnomAD exomes below 0.00001; ExAC 0.00001; gnomAD 0.00001; 1000 Genomes Project 30x 0.00016; 1000 Genomes Project 0.00020.
gnomAD v4.1: 4 of 1,612,880 alleles (0.00025%); highest among the groups gnomAD compares: Non-Finnish European, 0.00025%; no homozygotes.

Submission:

Labcorp Genetics (formerly Invitae), Labcorp
Classification: Uncertain significance. Last evaluated: 2022-12-12. Review status: criteria provided, single submitter. Criteria: Invitae Variant Classification Sherloc (09022015). Collection method: clinical testing. Allele origin: germline.
Comment: In summary, the available evidence is currently insufficient to determine the role of this variant in disease. Therefore, it has been classified as a Variant of Uncertain Significance. Advanced modeling of protein sequence and biophysical properties (such as structural, functional, and spatial information, amino acid conservation, physicochemical variation, residue mobility, and thermodynamic stability) performed at Invitae indicates that this missense variant is not expected to disrupt RAI1 protein function. This variant has not been reported in the literature in individuals affected with RAI1-related conditions. This variant is present in population databases (rs143864483, gnomAD 0.0009%). This sequence change replaces proline, which is neutral and non-polar, with leucine, which is neutral and non-polar, at codon 1743 of the RAI1 protein (p.Pro1743Leu).

NM_030665.4(RAI1):c.5228C>T (p.Pro1743Leu)

Gene: RAI1 (retinoic acid induced 1; plus strand). Cytogenetic location: 17p11.2.
Variant type: single nucleotide variant.
Coding change: c.5228C>T on transcript NM_030665.4 (MANE Select); coding-DNA position 5228, C replaced by T.
Protein change: p.Pro1743Leu; replaces proline 1743 with leucine.
Molecular consequence: missense variant.
Genome position (GRCh38, 1-based): chr17:17,798,176, C>T. VCF-style: chr17-17798176-C-T. GRCh37 (hg19) VCF-style: chr17-17701490-C-T.
Other names: short protein forms P1743L.
Identifiers: ClinVar variation 2733533 (VCV002733533.3), dbSNP rs143864483, ClinGen allele CA8419115.